The following is an entry in ClinVar:

ClinVar aggregate classification (germline): Uncertain significance (1 of 4 stars; one submission).

Conditions:
Autosomal recessive limb-girdle muscular dystrophy type 2A (LGMDR1). Also called: LEYDEN-MOEBIUS MUSCULAR DYSTROPHY; MUSCULAR DYSTROPHY, PELVOFEMORAL; Muscular dystrophy, limb-girdle, type 2A, Amish; Limb-girdle muscular dystrophy, type 2A; Calpainopathy. Identifiers: Orphanet 267, MedGen C1869123, MONDO:0009675, OMIM 253600. Disease mechanism: loss of function.

Submission:

Labcorp Genetics (formerly Invitae), Labcorp
Classification: Uncertain significance for Autosomal recessive limb-girdle muscular dystrophy type 2A. Last evaluated: 2024-12-04. Review status: criteria provided, single submitter. Criteria: Invitae Variant Classification Sherloc (09022015). Collection method: clinical testing. Allele origin: germline.
Comment: This sequence change falls in intron 18 of the CAPN3 gene. It does not directly change the encoded amino acid sequence of the CAPN3 protein. It affects a nucleotide within the consensus splice site. This variant is present in population databases (no rsID available, gnomAD 0.003%). This variant has not been reported in the literature in individuals affected with CAPN3-related conditions. Variants that disrupt the consensus splice site are a relatively common cause of aberrant splicing (PMID: 17576681, 9536098). Algorithms developed to predict the effect of sequence changes on RNA splicing suggest that this variant is not likely to affect RNA splicing. In summary, the available evidence is currently insufficient to determine the role of this variant in disease. Therefore, it has been classified as a Variant of Uncertain Significance.

Literature cited by the submitters: PubMed 17576681; PubMed 9536098.

NM_000070.3(CAPN3):c.2051-3C>T

Gene: CAPN3 (calpain 3; plus strand). Cytogenetic location: 15q15.1.
Variant type: single nucleotide variant.
Coding change: c.2051-3C>T on transcript NM_000070.3 (MANE Select); 3 bases into the intron before coding-DNA position 2051, C replaced by T.
Molecular consequence: intron variant.
Genome position (GRCh38, 1-based): chr15:42,409,928, C>T. VCF-style: chr15-42409928-C-T. GRCh37 (hg19) VCF-style: chr15-42702126-C-T.
Other names: c.2033-3C>T (NM_024344.2); c.1775-3C>T (NM_173087.2); c.515-3C>T (NM_173088.2); c.56-3C>T (NM_173090.2, NM_173089.2).
Identifiers: ClinVar variation 3729695 (VCV003729695.2).